The following is an entry in ClinVar:

ClinVar aggregate classification (germline): Conflicting classifications of pathogenicity. Review status: criteria provided, conflicting classifications (1 of 4 stars). 3 submissions from 3 submitters: Uncertain significance (1); Likely benign (2). Last evaluated 2025-08-18.

Conditions:
Ehlers-Danlos syndrome, classic type, 1 (EDSCL1). Also called: EHLERS-DANLOS SYNDROME, GRAVIS TYPE; EHLERS-DANLOS SYNDROME, SEVERE CLASSIC TYPE; EDS I; Ehlers-Danlos Syndrome, Classic Type, COL5A1-Related; Ehlers-Danlos syndrome, type 1. Identifiers: MedGen C0268335, MONDO:0019567, OMIM 130000.

Allele frequency attached by ClinVar (database versions not stated): TOPMed below 0.00001; gnomAD exomes below 0.00001.
gnomAD v4.1: 1 of 1,613,532 alleles (0.000062%); highest among the groups gnomAD compares: Non-Finnish European, 0.000085%; no homozygotes.

Submissions (3):

Labcorp Genetics (formerly Invitae), Labcorp
Classification: Likely benign for Ehlers-Danlos syndrome, classic type, 1. Last evaluated: 2025-08-18. Review status: criteria provided, single submitter. Criteria: Invitae Variant Classification Sherloc (09022015). Collection method: clinical testing. Allele origin: germline.

Women's Health and Genetics/Laboratory Corporation of America, LabCorp
Classification: Uncertain significance. Last evaluated: 2023-12-03. Review status: criteria provided, single submitter. Criteria: LabCorp Variant Classification Summary - May 2015. Collection method: clinical testing. Allele origin: germline.

GeneDx
Classification: Likely benign. Last evaluated: 2017-06-12. Review status: criteria provided, single submitter. Criteria: GeneDx Variant Classification (06012015). Collection method: clinical testing. Allele origin: germline. Affected: yes.
Comment: This variant is considered likely benign or benign based on one or more of the following criteria: it is a conservative change, it occurs at a poorly conserved position in the protein, it is predicted to be benign by multiple in silico algorithms, and/or has population frequency not consistent with disease.

NM_000093.5(COL5A1):c.2433T>C (p.Gly811=)

Gene: COL5A1 (collagen type V alpha 1 chain; plus strand). Cytogenetic location: 9q34.3.
Variant type: single nucleotide variant.
Coding change: c.2433T>C on transcript NM_000093.5 (MANE Select); coding-DNA position 2433, T replaced by C.
Protein change: p.Gly811=; no amino-acid change (glycine 811 retained).
Molecular consequence: synonymous variant.
Genome position (GRCh38, 1-based): chr9:134,782,669, T>C. VCF-style: chr9-134782669-T-C. GRCh37 (hg19) VCF-style: chr9-137674515-T-C.
Other names: c.2433T>C, p.Gly811= (NM_001278074.1).
Identifiers: ClinVar variation 510094 (VCV000510094.5), dbSNP rs1554798918, ClinGen allele CA467662364.